The following is an entry in ClinVar:

NM_001004334.4(GPR179):c.5978G>A (p.Arg1993Lys)

Gene: GPR179 (G protein-coupled receptor 179; minus strand). Cytogenetic location: 17q12.
Variant type: single nucleotide variant.
Coding change: c.5978G>A on transcript NM_001004334.4 (MANE Select); coding-DNA position 5978, G replaced by A.
Protein change: p.Arg1993Lys; replaces arginine 1993 with lysine.
Molecular consequence: missense variant.
Genome position (GRCh38, 1-based): chr17:38,327,591, C>T on the plus strand (G>A on the coding strand, the complement: GPR179 is on the minus strand). VCF-style: chr17-38327591-C-T. GRCh37 (hg19) VCF-style: chr17-36483474-C-T.
Other names: c.5978G>A (NM_001004334.2); short protein forms R1993K.
Identifiers: ClinVar variation 1942288 (VCV001942288.7), dbSNP rs761786774, ClinGen allele CA290103206.

ClinVar aggregate classification (germline): Uncertain significance. Review status: criteria provided, multiple submitters, no conflicts (2 of 4 stars). 3 submissions from 3 submitters: Uncertain significance (3). Last evaluated 2025-06-22.

Conditions:
Inborn genetic diseases. Identifiers: MedGen C0950123, MeSH D030342.

Allele frequency attached by ClinVar (database versions not stated): ExAC 0.00001; TOPMed 0.00001; gnomAD 0.00002; gnomAD exomes 0.00002.

Submissions (3):

Ambry Genetics
Classification: Uncertain significance for Inborn genetic diseases. Last evaluated: 2025-06-22. Review status: criteria provided, single submitter. Criteria: Ambry Variant Classification Scheme 2023. Collection method: clinical testing. Allele origin: germline.

Labcorp Genetics (formerly Invitae), Labcorp
Classification: Uncertain significance. Last evaluated: 2022-08-06. Review status: criteria provided, single submitter. Criteria: Invitae Variant Classification Sherloc (09022015). Collection method: clinical testing. Allele origin: germline.
Comment: In summary, the available evidence is currently insufficient to determine the role of this variant in disease. Therefore, it has been classified as a Variant of Uncertain Significance. Algorithms developed to predict the effect of missense changes on protein structure and function output the following: SIFT: "Deleterious"; PolyPhen-2: "Benign"; Align-GVGD: "Class C0". The lysine amino acid residue is found in multiple mammalian species, which suggests that this missense change does not adversely affect protein function. This variant has not been reported in the literature in individuals affected with GPR179-related conditions. This variant is present in population databases (rs761786774, gnomAD 0.004%). This sequence change replaces arginine, which is basic and polar, with lysine, which is basic and polar, at codon 1993 of the GPR179 protein (p.Arg1993Lys).

Blueprint Genetics
Classification: Uncertain significance. Last evaluated: 2021-10-07. Review status: criteria provided, single submitter. Criteria: ACMG Guidelines, 2015. Collection method: clinical testing. Allele origin: germline.